The following is an entry in ClinVar:

ClinVar aggregate classification (germline): Uncertain significance (1 of 4 stars; one submission).

Allele frequency attached by ClinVar (database versions not stated): TOPMed below 0.00001; gnomAD exomes 0.00002.
gnomAD v4.1: 19 of 1,614,194 alleles (0.0012%); highest among the groups gnomAD compares: Non-Finnish European, 0.0016%; no homozygotes.

Submission:

Ambry Genetics
Classification: Uncertain significance. Last evaluated: 2024-02-28. Review status: criteria provided, single submitter. Criteria: Ambry Variant Classification Scheme 2023. Collection method: clinical testing. Allele origin: germline.
Comment: The p.S277C variant (also known as c.830C>G), located in coding exon 3 of the ALPK2 gene, results from a C to G substitution at nucleotide position 830. The serine at codon 277 is replaced by cysteine, an amino acid with dissimilar properties. This amino acid position is conserved. In addition, this alteration is predicted to be tolerated by in silico analysis. Since supporting evidence is limited at this time, the clinical significance of this alteration remains unclear.

NM_052947.4(ALPK2):c.830C>G (p.Ser277Cys)

Genes: ALPK2 (alpha kinase 2; minus strand), LOC114803473 (ALPK2 eExon liver enhancer; plus strand). Cytogenetic location: 18q21.31.
Variant type: single nucleotide variant.
Coding change: c.830C>G on transcript NM_052947.4 (MANE Select); coding-DNA position 830, C replaced by G.
Protein change: p.Ser277Cys; replaces serine 277 with cysteine.
Molecular consequence: missense variant.
Genome position (GRCh38, 1-based): chr18:58,579,946, G>C on the plus strand (C>G on the coding strand, the complement: ALPK2 is on the minus strand). VCF-style: chr18-58579946-G-C. GRCh37 (hg19) VCF-style: chr18-56247178-G-C.
Other names: short protein forms S277C.
Identifiers: ClinVar variation 1762866 (VCV001762866.2), dbSNP rs755033005, ClinGen allele CA300927441.